The following is an entry in ClinVar:

NM_000548.5(TSC2):c.2406C>T (p.Ser802=)

Gene: TSC2 (TSC complex subunit 2; plus strand). Cytogenetic location: 16p13.3.
Variant type: single nucleotide variant.
Coding change: c.2406C>T on transcript NM_000548.5 (MANE Select); coding-DNA position 2406, C replaced by T.
Protein change: p.Ser802=; no amino-acid change (serine 802 retained).
Molecular consequence: synonymous variant. On other transcripts: non-coding transcript variant (5).
Genome position (GRCh38, 1-based): chr16:2,074,250, C>T. VCF-style: chr16-2074250-C-T. GRCh37 (hg19) VCF-style: chr16-2124251-C-T.
Other names: c.2406C>T, p.Ser802= (NM_001077183.3, NM_001114382.3, NM_001363528.2 and 6 more transcripts); c.2295C>T, p.Ser765= (NM_001318827.2, NM_001406670.1, NM_001406678.1); c.2259C>T, p.Ser753= (NM_001318829.2, NM_001406676.1, NM_001406675.1 and 1 more transcripts); c.1806C>T, p.Ser602= (NM_001318831.2, NM_001406680.1, NM_001406685.1 and 6 more transcripts); c.2439C>T, p.Ser813= (NM_001318832.2); c.1062C>T, p.Ser354= (NM_001406689.1, NM_001406690.1, NM_001406691.1 and 6 more transcripts); c.2496C>T, p.Ser832= (NM_001406667.1, NM_001406668.1); c.2349C>T, p.Ser783= (NM_001406677.1); and 3 more.
Identifiers: ClinVar variation 1790799 (VCV001790799.8), dbSNP rs1051621, ClinGen allele CA038969.
Genomic context (GRCh38, chr16:2,074,250, plus strand): 5'-TCTCCTGCAGCGCGAGATGGTCTACTGCCTGGAGCAGGGCCTCATCCACCGCTGTGCCAG[C>T]CAGTGCGTCGTGGCCTTGTCCATCTGCAGCGTGGAGATGCCTGACATCATCATCAAGGCG-3'
Protein context (NP_000539.2, residues 792-812): LEQGLIHRCA[Ser802=]QCVVALSICS

ClinVar aggregate classification (germline): Benign/Likely benign. Review status: criteria provided, multiple submitters, no conflicts (2 of 4 stars). 4 submissions from 4 submitters: Benign (2); Likely benign (2). Last evaluated 2025-09-21.

Conditions:
Hereditary cancer-predisposing syndrome. Also called: Neoplastic Syndromes, Hereditary; Tumor predisposition; Hereditary neoplastic syndrome; Hereditary Cancer Syndrome. Identifiers: Orphanet 140162, MedGen C0027672, MeSH D009386, MONDO:0015356.
Tuberous sclerosis syndrome (TSC). Also called: Tuberous sclerosis; Tuberous Sclerosis Complex. Identifiers: Orphanet 805, MedGen C0041341, MONDO:0001734.
Tuberous sclerosis 2 (TSC2). Identifiers: Orphanet 805, MedGen C1860707, MONDO:0013199, OMIM 613254.

Allele frequency attached by ClinVar (database versions not stated): gnomAD exomes below 0.00001; ExAC 0.00001; gnomAD 0.00001; TOPMed 0.00001.

Submissions (4):

Labcorp Genetics (formerly Invitae), Labcorp
Classification: Benign for Tuberous sclerosis 2. Last evaluated: 2025-09-21. Review status: criteria provided, single submitter. Criteria: Invitae Variant Classification Sherloc (09022015). Collection method: clinical testing. Allele origin: germline.

Color Diagnostics, LLC DBA Color Health
Classification: Likely benign for Tuberous sclerosis syndrome. Last evaluated: 2025-07-25. Review status: criteria provided, single submitter. Criteria: ACMG Guidelines, 2015. Collection method: clinical testing. Allele origin: germline.

Myriad Genetics, Inc.
Classification: Benign for Tuberous sclerosis 2. Last evaluated: 2025-05-20. Review status: criteria provided, single submitter. Criteria: Myriad Autosomal Dominant, Autosomal Recessive and X-Linked Classification Criteria (2023). Collection method: clinical testing. Allele origin: unknown.
Comment: This variant is considered benign. This variant is a silent/synonymous amino acid change and it is not expected to impact splicing.

Ambry Genetics
Classification: Likely benign for Hereditary cancer-predisposing syndrome. Last evaluated: 2019-10-17. Review status: criteria provided, single submitter. Criteria: Ambry Variant Classification Scheme 2023. Collection method: clinical testing. Allele origin: germline.